The following is an entry in ClinVar:

ClinVar aggregate classification (germline): Benign/Likely benign. Review status: criteria provided, multiple submitters, no conflicts (2 of 4 stars). 3 submissions from 3 submitters: Benign (1); Likely benign (1). 1 of the submissions does not count toward it. Last evaluated 2025-12-20.

Conditions:
XYLT2-related disorder. Also called: XYLT2-related condition.

Allele frequency attached by ClinVar (database versions not stated): gnomAD exomes 0.00034; ExAC 0.00076; ESP Exome Variant Server 0.00134; gnomAD 0.00192 and 0.00198; TOPMed 0.00200; 1000 Genomes Project 30x 0.00234; 1000 Genomes Project 0.00280.
gnomAD v4.1: 392 of 1,094,630 alleles (0.036%); highest among the groups gnomAD compares: African/African-American, 0.61%; 1 homozygote.

Submissions (3):

Labcorp Genetics (formerly Invitae), Labcorp
Classification: Benign. Last evaluated: 2025-12-20. Review status: criteria provided, single submitter. Criteria: Invitae Variant Classification Sherloc (09022015). Collection method: clinical testing. Allele origin: germline.

Blueprint Genetics
Classification: Likely benign. Last evaluated: 2024-07-18. Review status: criteria provided, single submitter. Criteria: ACMG Guidelines, 2015. Collection method: clinical testing. Allele origin: germline.

PreventionGenetics, part of Exact Sciences
Classification: Likely benign for XYLT2-related condition. Last evaluated: 2024-06-03. Review status: no assertion criteria provided. Collection method: clinical testing. Allele origin: germline. Not counted in ClinVar's aggregate classification.
Comment: This variant is classified as likely benign based on ACMG/AMP sequence variant interpretation guidelines (Richards et al. 2015 PMID: 25741868, with internal and published modifications).

NM_022167.4(XYLT2):c.135+10C>A

Gene: XYLT2 (xylosyltransferase 2; plus strand). Cytogenetic location: 17q21.33.
Variant type: single nucleotide variant.
Coding change: c.135+10C>A on transcript NM_022167.4 (MANE Select); 10 bases into the intron after coding-DNA position 135, C replaced by A.
Molecular consequence: intron variant.
Genome position (GRCh38, 1-based): chr17:50,346,285, C>A. VCF-style: chr17-50346285-C-A. GRCh37 (hg19) VCF-style: chr17-48423646-C-A.
Identifiers: ClinVar variation 709317 (VCV000709317.12), dbSNP rs374252074, ClinGen allele CA8646089.
Genomic context (GRCh38, chr17:50,346,285, plus strand): 5'-GGCCTGGTAGTGTGGAGCTTCAGCGGCCTGGAGGAGGACGAGGCGGGCGAGGTGCTCCGA[C>A]GGCCGGGCGGGCGGGCAGGCCGGGCGCGGGGGCGCGCGGGGTCCTGGCGGGGCTGCGGGC-3'